The following is an entry in ClinVar:

ClinVar aggregate classification (germline): Pathogenic (1 of 4 stars; one submission).

Conditions:
Curry-Hall syndrome (WAD). Also called: WEYERS ACRODENTAL DYSOSTOSIS. Identifiers: Orphanet 952, MedGen C0457013, MONDO:0008673, OMIM 193530.
Ellis-van Creveld syndrome (EVC). Also called: MESOECTODERMAL DYSPLASIA; EVC-Related Ellis-van Creveld Syndrome; EVC2-Related Ellis-van Creveld Syndrome; Chondroectodermal dysplasia. Identifiers: Orphanet 289, MedGen C0013903, MONDO:0009162, OMIM 225500.

Submission:

Labcorp Genetics (formerly Invitae), Labcorp
Classification: Pathogenic for Curry-Hall syndrome; Ellis-van Creveld syndrome. Last evaluated: 2022-02-21. Review status: criteria provided, single submitter. Criteria: Invitae Variant Classification Sherloc (09022015). Collection method: clinical testing. Allele origin: germline.
Comment: This sequence change creates a premature translational stop signal (p.Glu789*) in the EVC2 gene. It is expected to result in an absent or disrupted protein product. Loss-of-function variants in EVC2 are known to be pathogenic (PMID: 17024374, 19810119, 19876929). For these reasons, this variant has been classified as Pathogenic. This premature translational stop signal has been observed in individual(s) with autosomal recessive Ellis-van Creveld syndrome (PMID: 19810119). This variant is not present in population databases (gnomAD no frequency).

Literature cited by the submitters: PubMed 17024374; PubMed 19810119; PubMed 19876929.

NM_147127.5(EVC2):c.2365G>T (p.Glu789Ter)

Gene: EVC2 (EvC ciliary complex subunit 2; minus strand). Cytogenetic location: 4p16.2.
Variant type: single nucleotide variant.
Coding change: c.2365G>T on transcript NM_147127.5 (MANE Select); coding-DNA position 2365, G replaced by T.
Protein change: p.Glu789Ter; replaces glutamic acid 789 with a stop codon.
Molecular consequence: nonsense.
Genome position (GRCh38, 1-based): chr4:5,622,673, C>A on the plus strand (G>T on the coding strand, the complement: EVC2 is on the minus strand). VCF-style: chr4-5622673-C-A. GRCh37 (hg19) VCF-style: chr4-5624400-C-A.
Other names: c.2125G>T, p.Glu709Ter (NM_001166136.2); short protein forms E789*, E709*.
Identifiers: ClinVar variation 2203506 (VCV002203506.4), dbSNP rs765883164, ClinGen allele CA356144596.